The following is an entry in ClinVar:

NM_004415.4(DSP):c.7060A>G (p.Met2354Val)

Gene: DSP (desmoplakin; plus strand). Cytogenetic location: 6p24.3.
Variant type: single nucleotide variant.
Coding change: c.7060A>G on transcript NM_004415.4 (MANE Select); coding-DNA position 7060, A replaced by G.
Protein change: p.Met2354Val; replaces methionine 2354 with valine.
Molecular consequence: missense variant.
Genome position (GRCh38, 1-based): chr6:7,584,322, A>G. VCF-style: chr6-7584322-A-G. GRCh37 (hg19) VCF-style: chr6-7584555-A-G.
Other names: c.5263A>G, p.Met1755Val (NM_001008844.3); c.5731A>G, p.Met1911Val (NM_001319034.2); short protein forms M2354V, M1755V, M1911V.
Identifiers: ClinVar variation 1756954 (VCV001756954.2), dbSNP rs1330525226, ClinGen allele CA362692141.

ClinVar aggregate classification (germline): Uncertain significance (1 of 4 stars; one submission).

Conditions:
Cardiovascular phenotype. Identifiers: MedGen CN230736.

gnomAD v4.1: 6 of 1,614,242 alleles (0.00037%); no homozygotes.

Submission:

Ambry Genetics
Classification: Uncertain significance for Cardiovascular phenotype. Last evaluated: 2020-03-03. Review status: criteria provided, single submitter. Criteria: Ambry Variant Classification Scheme 2023. Collection method: clinical testing. Allele origin: germline.
Comment: The p.M2354V variant (also known as c.7060A>G), located in coding exon 24 of the DSP gene, results from an A to G substitution at nucleotide position 7060. The methionine at codon 2354 is replaced by valine, an amino acid with highly similar properties. This amino acid position is not well conserved in available vertebrate species. In addition, the in silico prediction for this alteration is inconclusive. Since supporting evidence is limited at this time, the clinical significance of this alteration remains unclear.